The following is an entry in ClinVar:

ClinVar aggregate classification (germline): Uncertain significance (1 of 4 stars; one submission).

gnomAD v4.1: 34 of 1,614,142 alleles (0.0021%); highest among the groups gnomAD compares: Non-Finnish European, 0.0027%; no homozygotes.

Submission:

Labcorp Genetics (formerly Invitae), Labcorp
Classification: Uncertain significance. Last evaluated: 2025-09-03. Review status: criteria provided, single submitter. Criteria: Invitae Variant Classification Sherloc (09022015). Collection method: clinical testing. Allele origin: germline.
Comment: This sequence change replaces alanine, which is neutral and non-polar, with valine, which is neutral and non-polar, at codon 746 of the ASXL1 protein (p.Ala746Val). This variant is present in population databases (rs764844021, gnomAD 0.004%). This variant has not been reported in the literature in individuals affected with ASXL1-related conditions. An algorithm developed to predict the effect of missense changes on protein structure and function outputs the following: PolyPhen-2: "Benign". The valine amino acid residue is found in multiple mammalian species, which suggests that this missense change does not adversely affect protein function. In summary, the available evidence is currently insufficient to determine the role of this variant in disease. Therefore, it has been classified as a Variant of Uncertain Significance.

NM_015338.6(ASXL1):c.2237C>T (p.Ala746Val)

Gene: ASXL1 (ASXL transcriptional regulator 1; plus strand). Cytogenetic location: 20q11.21.
Variant type: single nucleotide variant.
Coding change: c.2237C>T on transcript NM_015338.6 (MANE Select); coding-DNA position 2237, C replaced by T.
Protein change: p.Ala746Val; replaces alanine 746 with valine.
Molecular consequence: missense variant.
Genome position (GRCh38, 1-based): chr20:32,434,949, C>T. VCF-style: chr20-32434949-C-T. GRCh37 (hg19) VCF-style: chr20-31022752-C-T.
Other names: c.2054C>T, p.Ala685Val (NM_001363734.1); short protein forms A685V, A746V.
Identifiers: ClinVar variation 4737761 (VCV004737761.1).
Genomic context (GRCh38, chr20:32,434,949, plus strand): 5'-AGGAGGAAAGCTGCCTACTACAGAGGGCTACAGTTGGACTCACAGATGGGCTAGGAGATG[C>T]CTCCCAACTCCCCGTTGCTCCCACTGGGGACCAGCCATGCCAGGCCTTGCCCCTACTGTC-3'
Protein context (NP_056153.2, residues 736-756): TVGLTDGLGD[Ala746Val]SQLPVAPTGD